The following is an entry in ClinVar:

NM_003906.5(MCM3AP):c.4786C>T (p.Arg1596Cys)

Genes: MCM3AP (minichromosome maintenance complex component 3 associated protein; minus strand), MCM3AP-AS1 (MCM3AP antisense RNA 1; plus strand). Cytogenetic location: 21q22.3.
Variant type: single nucleotide variant.
Coding change: c.4786C>T on transcript NM_003906.5 (MANE Select); coding-DNA position 4786, C replaced by T.
Protein change: p.Arg1596Cys; replaces arginine 1596 with cysteine.
Molecular consequence: missense variant.
Genome position (GRCh38, 1-based): chr21:46,245,059, G>A on the plus strand (C>T on the coding strand, the complement: MCM3AP is on the minus strand). VCF-style: chr21-46245059-G-A. GRCh37 (hg19) VCF-style: chr21-47664973-G-A.
Other names: c.4786C>T (NM_003906.3); short protein forms R1596C.
Identifiers: ClinVar variation 2892287 (VCV002892287.4), dbSNP rs768179278, ClinGen allele CA10076014.

ClinVar aggregate classification (germline): Uncertain significance. Review status: criteria provided, multiple submitters, no conflicts (2 of 4 stars). 2 submissions from 2 submitters: Uncertain significance (2). Last evaluated 2024-06-07.

Conditions:
Inborn genetic diseases. Identifiers: MedGen C0950123, MeSH D030342.

Allele frequency attached by ClinVar (database versions not stated): ExAC 0.00002; gnomAD 0.00002; TOPMed 0.00004.
gnomAD v4.1: 14 of 1,614,078 alleles (0.00087%); highest among the groups gnomAD compares: Admixed American, 0.0067%; no homozygotes.

Submissions (2):

Ambry Genetics
Classification: Uncertain significance for Inborn genetic diseases. Last evaluated: 2024-06-07. Review status: criteria provided, single submitter. Criteria: Ambry Variant Classification Scheme 2023. Collection method: clinical testing. Allele origin: germline.

Labcorp Genetics (formerly Invitae), Labcorp
Classification: Uncertain significance. Last evaluated: 2023-11-02. Review status: criteria provided, single submitter. Criteria: Invitae Variant Classification Sherloc (09022015). Collection method: clinical testing. Allele origin: germline.
Comment: This sequence change replaces arginine, which is basic and polar, with cysteine, which is neutral and slightly polar, at codon 1596 of the MCM3AP protein (p.Arg1596Cys). The frequency data for this variant in the population databases is considered unreliable, as metrics indicate poor data quality at this position in the gnomAD database. This variant has not been reported in the literature in individuals affected with MCM3AP-related conditions. An algorithm developed to predict the effect of missense changes on protein structure and function (PolyPhen-2) suggests that this variant is likely to be disruptive. In summary, the available evidence is currently insufficient to determine the role of this variant in disease. Therefore, it has been classified as a Variant of Uncertain Significance.